The following is an entry in ClinVar:

NM_025009.5(CEP135):c.114C>T (p.Ser38=)

Gene: CEP135 (centrosomal protein 135; plus strand). Cytogenetic location: 4q12.
Variant type: single nucleotide variant.
Coding change: c.114C>T on transcript NM_025009.5 (MANE Select); coding-DNA position 114, C replaced by T.
Protein change: p.Ser38=; no amino-acid change (serine 38 retained).
Molecular consequence: synonymous variant.
Genome position (GRCh38, 1-based): chr4:55,953,085, C>T. VCF-style: chr4-55953085-C-T. GRCh37 (hg19) VCF-style: chr4-56819251-C-T.
Other names: c.114C>T (NM_025009.4).
Identifiers: ClinVar variation 1347951 (VCV001347951.6), dbSNP rs780365984, ClinGen allele CA2927470.

ClinVar aggregate classification (germline): Uncertain significance. Review status: criteria provided, single submitter (1 of 4 stars). 2 submissions from 2 submitters: Uncertain significance (1). 1 of the submissions does not count toward it. Last evaluated 2023-07-06.

Conditions:
CEP135-related disorder. Also called: CEP135-related condition.

Allele frequency attached by ClinVar (database versions not stated): TOPMed 0.00005; gnomAD exomes 0.00007 and 0.00008; ExAC 0.00011.
gnomAD v4.1: 125 of 1,547,244 alleles (0.0081%); highest among the groups gnomAD compares: Non-Finnish European, 0.0098%; no homozygotes.

Submissions (2):

Labcorp Genetics (formerly Invitae), Labcorp
Classification: Uncertain significance. Last evaluated: 2023-07-06. Review status: criteria provided, single submitter. Criteria: Invitae Variant Classification Sherloc (09022015). Collection method: clinical testing. Allele origin: germline.
Comment: In summary, the available evidence is currently insufficient to determine the role of this variant in disease. Therefore, it has been classified as a Variant of Uncertain Significance. Algorithms developed to predict the effect of sequence changes on RNA splicing suggest that this variant is not likely to affect RNA splicing. ClinVar contains an entry for this variant (Variation ID: 1347951). This variant has not been reported in the literature in individuals affected with CEP135-related conditions. This variant is present in population databases (rs780365984, gnomAD 0.02%). This sequence change affects codon 38 of the CEP135 mRNA. It is a 'silent' change, meaning that it does not change the encoded amino acid sequence of the CEP135 protein. It affects a nucleotide within the consensus splice site.

PreventionGenetics, part of Exact Sciences
Classification: Likely benign for CEP135-related condition. Last evaluated: 2021-06-02. Review status: no assertion criteria provided. Collection method: clinical testing. Allele origin: germline. Not counted in ClinVar's aggregate classification.
Comment: This variant is classified as likely benign based on ACMG/AMP sequence variant interpretation guidelines (Richards et al. 2015 PMID: 25741868, with internal and published modifications).